The following is an entry in ClinVar:

NM_005360.5(MAF):c.1009C>T (p.Leu337=)

Gene: MAF (MAF bZIP transcription factor; minus strand). Cytogenetic location: 16q23.2.
Variant type: single nucleotide variant.
Coding change: c.1009C>T on transcript NM_005360.5 (MANE Select); coding-DNA position 1009, C replaced by T.
Protein change: p.Leu337=; no amino-acid change (leucine 337 retained).
Molecular consequence: synonymous variant.
Genome position (GRCh38, 1-based): chr16:79,598,894, G>A on the plus strand (C>T on the coding strand, the complement: MAF is on the minus strand). VCF-style: chr16-79598894-G-A. GRCh37 (hg19) VCF-style: chr16-79632791-G-A.
Other names: c.1009C>T, p.Leu337= (NM_001031804.3).
Identifiers: ClinVar variation 3251169 (VCV003251169.18), dbSNP rs1913772669.

ClinVar aggregate classification (germline): Likely benign (1 of 4 stars; one submission).

Allele frequency attached by ClinVar (database versions not stated): TOPMed 0.00001; gnomAD 0.00002.

Submission:

CeGaT Center for Human Genetics Tuebingen
Classification: Likely benign. Last evaluated: 2024-06-01. Review status: criteria provided, single submitter. Criteria: CeGaT Center For Human Genetics Tuebingen Variant Classification Criteria Version 2. Collection method: clinical testing. Allele origin: germline. Affected: yes. Observed: 1 variant allele.
Comment: MAF: BP4